The following is an entry in ClinVar:

NM_001080449.3(DNA2):c.982C>G (p.Pro328Ala)

Gene: DNA2 (DNA replication helicase/nuclease 2; minus strand). Cytogenetic location: 10q21.3.
Variant type: single nucleotide variant.
Coding change: c.982C>G on transcript NM_001080449.3 (MANE Select); coding-DNA position 982, C replaced by G.
Protein change: p.Pro328Ala; replaces proline 328 with alanine.
Molecular consequence: missense variant. On other transcripts: non-coding transcript variant (1).
Genome position (GRCh38, 1-based): chr10:68,446,371, G>C on the plus strand (C>G on the coding strand, the complement: DNA2 is on the minus strand). VCF-style: chr10-68446371-G-C. GRCh37 (hg19) VCF-style: chr10-70206128-G-C.
Other names: p.Pro328Ala; short protein forms P328A.
Identifiers: ClinVar variation 2154190 (VCV002154190.5), dbSNP rs770255439, ClinGen allele CA5525165.

ClinVar aggregate classification (germline): Conflicting classifications of pathogenicity. Review status: criteria provided, conflicting classifications (1 of 4 stars). 2 submissions from 2 submitters: Uncertain significance (1); Benign (1). Last evaluated 2025-12-13.

Allele frequency attached by ClinVar (database versions not stated): gnomAD 0.00011; gnomAD exomes 0.00012; TOPMed 0.00012; ExAC 0.00025.
gnomAD v4.1: 201 of 1,597,652 alleles (0.013%); highest among the groups gnomAD compares: Non-Finnish European, 0.0026%; 1 homozygote.

Submissions (2):

Labcorp Genetics (formerly Invitae), Labcorp
Classification: Benign. Last evaluated: 2025-12-13. Review status: criteria provided, single submitter. Criteria: Invitae Variant Classification Sherloc (09022015). Collection method: clinical testing. Allele origin: germline.

Mayo Clinic Laboratories, Mayo Clinic
Classification: Uncertain significance. Last evaluated: 2025-06-09. Review status: criteria provided, single submitter. Criteria: ACMG Guidelines, 2015. Collection method: clinical testing. Allele origin: germline. Observed: 2 variant alleles.
Comment: BS1